The following is an entry in ClinVar:

ClinVar aggregate classification (germline): Uncertain significance. Review status: criteria provided, multiple submitters, no conflicts (2 of 4 stars). 2 submissions from 2 submitters: Uncertain significance (2). Last evaluated 2025-08-20.

Conditions:
Hereditary cancer-predisposing syndrome. Also called: Hereditary neoplastic syndrome; Tumor predisposition; Hereditary Cancer Syndrome; Neoplastic Syndromes, Hereditary. Identifiers: Orphanet 140162, MedGen C0027672, MeSH D009386, MONDO:0015356.
Gastrointestinal stromal tumor. Also called: Gastrointestinal stroma tumor; Gastrointestinal stromal tumor, somatic. Identifiers: Orphanet 44890, MedGen C0238198, MeSH D046152, MONDO:0011719, OMIM 606764, HP:0100723.

gnomAD v4.1: 1 of 1,614,222 alleles (0.000062%); highest among the groups gnomAD compares: Non-Finnish European, 0.000085%; no homozygotes.

Submissions (2):

Ambry Genetics
Classification: Uncertain significance for Hereditary cancer-predisposing syndrome. Last evaluated: 2025-08-20. Review status: criteria provided, single submitter. Criteria: Ambry Variant Classification Scheme 2023. Collection method: clinical testing. Allele origin: germline.
Comment: The p.H330Q variant (also known as c.990T>G), located in coding exon 6 of the PDGFRA gene, results from a T to G substitution at nucleotide position 990. The histidine at codon 330 is replaced by glutamine, an amino acid with highly similar properties. This amino acid position is conserved. In addition, this alteration is predicted to be tolerated by in silico analysis. Based on the available evidence, the clinical significance of this variant remains unclear.

Labcorp Genetics (formerly Invitae), Labcorp
Classification: Uncertain significance for Gastrointestinal stromal tumor. Last evaluated: 2022-06-22. Review status: criteria provided, single submitter. Criteria: Invitae Variant Classification Sherloc (09022015). Collection method: clinical testing. Allele origin: germline.
Comment: This sequence change replaces histidine, which is basic and polar, with glutamine, which is neutral and polar, at codon 330 of the PDGFRA protein (p.His330Gln). This variant is not present in population databases (gnomAD no frequency). This variant has not been reported in the literature in individuals affected with PDGFRA-related conditions. Algorithms developed to predict the effect of missense changes on protein structure and function are either unavailable or do not agree on the potential impact of this missense change (SIFT: "Tolerated"; PolyPhen-2: "Probably Damaging"; Align-GVGD: "Class C0"). Algorithms developed to predict the effect of sequence changes on RNA splicing suggest that this variant may create or strengthen a splice site. In summary, the available evidence is currently insufficient to determine the role of this variant in disease. Therefore, it has been classified as a Variant of Uncertain Significance.

NM_006206.6(PDGFRA):c.990T>G (p.His330Gln)

Gene: PDGFRA (platelet derived growth factor receptor alpha; plus strand). Cytogenetic location: 4q12.
Variant type: single nucleotide variant.
Coding change: c.990T>G on transcript NM_006206.6 (MANE Select); coding-DNA position 990, T replaced by G.
Protein change: p.His330Gln; replaces histidine 330 with glutamine.
Molecular consequence: missense variant.
Genome position (GRCh38, 1-based): chr4:54,267,610, T>G. VCF-style: chr4-54267610-T-G. GRCh37 (hg19) VCF-style: chr4-55133777-T-G.
Other names: c.990T>G (NM_006206.4); c.990T>G, p.His330Gln (NM_001347827.2, NM_001347829.2); c.1065T>G, p.His355Gln (NM_001347828.2); c.1029T>G, p.His343Gln (NM_001347830.2); short protein forms H330Q, H355Q, H343Q.
Identifiers: ClinVar variation 1500276 (VCV001500276.7), dbSNP rs1454468614, ClinGen allele CA356891559.